The following is an entry in ClinVar:

NM_014639.4(SKIC3):c.1426_1430del (p.Thr476fs)

Gene: SKIC3 (SKI3 subunit of superkiller complex; minus strand). Cytogenetic location: 5q15.
Variant type: Deletion.
Coding change: c.1426_1430del on transcript NM_014639.4 (MANE Select); coding-DNA positions 1426 to 1430, 5 bases deleted (ACAAA; older notation c.1426_1430delACAAA).
Protein change: p.Thr476fs; shifts the reading frame from threonine 476.
Molecular consequence: frameshift variant.
Genome position (GRCh38, 1-based): chr5:95,524,487-95,524,491, TTTGT deleted on the plus strand (ACAAA on the coding strand, the reverse complement: SKIC3 is on the minus strand); deleting any 5 consecutive bases within chr5:95,524,487-95,524,494 gives the same sequence; the c. name uses the placement nearest the transcript's 3' end. VCF-style (leftmost placement, unchanged base first): chr5-95524486-CTTTGT-C. GRCh37 (hg19) VCF-style: chr5-94860190-CTTTGT-C.
Other names: short protein forms T476fs.
Identifiers: ClinVar variation 3623384 (VCV003623384.2).

ClinVar aggregate classification (germline): Pathogenic (1 of 4 stars; one submission).

Submission:

Labcorp Genetics (formerly Invitae), Labcorp
Classification: Pathogenic. Last evaluated: 2024-01-26. Review status: criteria provided, single submitter. Criteria: Invitae Variant Classification Sherloc (09022015). Collection method: clinical testing. Allele origin: germline.
Comment: This sequence change creates a premature translational stop signal (p.Thr476Glyfs*27) in the TTC37 gene. It is expected to result in an absent or disrupted protein product. Loss-of-function variants in TTC37 are known to be pathogenic (PMID: 20176027, 21120949). This variant is present in population databases (no rsID available, gnomAD 0.006%). This variant has not been reported in the literature in individuals affected with TTC37-related conditions. For these reasons, this variant has been classified as Pathogenic.

Literature cited by the submitters: PubMed 20176027; PubMed 21120949.